The following is an entry in ClinVar:

ClinVar aggregate classification (germline): Uncertain significance (1 of 4 stars; one submission).

Submission:

Labcorp Genetics (formerly Invitae), Labcorp
Classification: Uncertain significance. Last evaluated: 2025-04-13. Review status: criteria provided, single submitter. Criteria: Invitae Variant Classification Sherloc (09022015). Collection method: clinical testing. Allele origin: germline.
Comment: This sequence change creates a premature translational stop signal (p.Pro32Alafs*8) in the HOXB13 gene. It is expected to result in an absent or disrupted protein product. However, the current clinical and genetic evidence is not sufficient to establish whether loss-of-function variants in HOXB13 cause disease. This variant is not present in population databases (gnomAD no frequency). This variant has not been reported in the literature in individuals affected with HOXB13-related conditions. ClinVar contains an entry for this variant (Variation ID: 1041262). In summary, the available evidence is currently insufficient to determine the role of this variant in disease. Therefore, it has been classified as a Variant of Uncertain Significance.

NM_006361.6(HOXB13):c.93_102del (p.Pro32fs)

Gene: HOXB13 (homeobox B13; minus strand). Cytogenetic location: 17q21.32.
Variant type: Deletion.
Coding change: c.93_102del on transcript NM_006361.6 (MANE Select); coding-DNA positions 93 to 102, 10 bases deleted (CCCTCTGACC; older notation c.93_102delCCCTCTGACC).
Protein change: p.Pro32fs; shifts the reading frame from proline 32.
Molecular consequence: frameshift variant.
Genome position (GRCh38, 1-based): chr17:48,728,492-48,728,501, GGTCAGAGGG deleted on the plus strand (CCCTCTGACC on the coding strand, the reverse complement: HOXB13 is on the minus strand); deleting any 10 consecutive bases within chr17:48,728,492-48,728,502 gives the same sequence; the c. name uses the placement nearest the transcript's 3' end. VCF-style (leftmost placement, unchanged base first): chr17-48728491-TGGTCAGAGGG-T. GRCh37 (hg19) VCF-style: chr17-46805853-TGGTCAGAGGG-T.
Other names: short protein forms P32fs.
Identifiers: ClinVar variation 1041262 (VCV001041262.7), dbSNP rs1382962811, ClinGen allele CA772659249.